The following is an entry in ClinVar:

ClinVar aggregate classification (germline): Uncertain significance (1 of 4 stars; one submission).

Conditions:
Werner syndrome (WRN). Identifiers: Orphanet 902, MedGen C0043119, MONDO:0010196, OMIM 277700.

Submission:

Labcorp Genetics (formerly Invitae), Labcorp
Classification: Uncertain significance for Werner syndrome. Last evaluated: 2023-08-28. Review status: criteria provided, single submitter. Criteria: Invitae Variant Classification Sherloc (09022015). Collection method: clinical testing. Allele origin: germline.
Comment: In summary, the available evidence is currently insufficient to determine the role of this variant in disease. Therefore, it has been classified as a Variant of Uncertain Significance. Algorithms developed to predict the effect of sequence changes on RNA splicing suggest that this variant may disrupt the consensus splice site. An algorithm developed to predict the effect of missense changes on protein structure and function (PolyPhen-2) suggests that this variant is likely to be tolerated. This variant has not been reported in the literature in individuals affected with WRN-related conditions. This variant is not present in population databases (gnomAD no frequency). This sequence change replaces serine, which is neutral and polar, with phenylalanine, which is neutral and non-polar, at codon 1125 of the WRN protein (p.Ser1125Phe).

NM_000553.6(WRN):c.3374C>T (p.Ser1125Phe)

Gene: WRN (WRN RecQ like helicase; plus strand). Cytogenetic location: 8p12.
Variant type: single nucleotide variant.
Coding change: c.3374C>T on transcript NM_000553.6 (MANE Select); coding-DNA position 3374, C replaced by T.
Protein change: p.Ser1125Phe; replaces serine 1125 with phenylalanine.
Molecular consequence: missense variant.
Genome position (GRCh38, 1-based): chr8:31,143,614, C>T. VCF-style: chr8-31143614-C-T. GRCh37 (hg19) VCF-style: chr8-31001130-C-T.
Other names: short protein forms S1125F.
Identifiers: ClinVar variation 2756068 (VCV002756068.3), dbSNP rs2536035882, ClinGen allele CA370924210.